The following is an entry in ClinVar:

ClinVar aggregate classification (germline): Uncertain significance. Review status: criteria provided, multiple submitters, no conflicts (2 of 4 stars). 2 submissions from 2 submitters: Uncertain significance (2). Last evaluated 2025-01-27.

Conditions:
Inborn genetic diseases. Identifiers: MedGen C0950123, MeSH D030342.
Werner syndrome (WRN). Identifiers: Orphanet 902, MedGen C0043119, MONDO:0010196, OMIM 277700.

Allele frequency attached by ClinVar (database versions not stated): gnomAD 0.00003 and 0.00004; TOPMed 0.00006; ESP Exome Variant Server 0.00008.
gnomAD v4.1: 8 of 1,594,484 alleles (0.0005%); highest among the groups gnomAD compares: African/African-American, 0.0081%; no homozygotes.

Submissions (2):

Labcorp Genetics (formerly Invitae), Labcorp
Classification: Uncertain significance for Werner syndrome. Last evaluated: 2025-01-27. Review status: criteria provided, single submitter. Criteria: Invitae Variant Classification Sherloc (09022015). Collection method: clinical testing. Allele origin: germline.
Comment: This sequence change replaces tyrosine, which is neutral and polar, with histidine, which is basic and polar, at codon 1110 of the WRN protein (p.Tyr1110His). This variant is present in population databases (rs368115321, gnomAD 0.02%). This variant has not been reported in the literature in individuals affected with WRN-related conditions. ClinVar contains an entry for this variant (Variation ID: 458449). An algorithm developed to predict the effect of missense changes on protein structure and function (PolyPhen-2) suggests that this variant is likely to be tolerated. In summary, the available evidence is currently insufficient to determine the role of this variant in disease. Therefore, it has been classified as a Variant of Uncertain Significance.

Ambry Genetics
Classification: Uncertain significance for Inborn genetic diseases. Last evaluated: 2024-06-18. Review status: criteria provided, single submitter. Criteria: Ambry Variant Classification Scheme 2023. Collection method: clinical testing. Allele origin: germline.

NM_000553.6(WRN):c.3328T>C (p.Tyr1110His)

Gene: WRN (WRN RecQ like helicase; plus strand). Cytogenetic location: 8p12.
Variant type: single nucleotide variant.
Coding change: c.3328T>C on transcript NM_000553.6 (MANE Select); coding-DNA position 3328, T replaced by C.
Protein change: p.Tyr1110His; replaces tyrosine 1110 with histidine.
Molecular consequence: missense variant.
Genome position (GRCh38, 1-based): chr8:31,143,568, T>C. VCF-style: chr8-31143568-T-C. GRCh37 (hg19) VCF-style: chr8-31001084-T-C.
Other names: short protein forms Y1110H.
Identifiers: ClinVar variation 458449 (VCV000458449.9), dbSNP rs368115321, ClinGen allele CA4705019.